The following is an entry in ClinVar:

ClinVar aggregate classification (germline): Uncertain significance (1 of 4 stars; one submission).

Conditions:
Epilepsy, familial focal, with variable foci 2 (FFEVF2). Identifiers: MedGen C4310709, MONDO:0014924, OMIM 617116.

Allele frequency attached by ClinVar (database versions not stated): gnomAD exomes 0.00001 and 0.00004; ExAC 0.00002; TOPMed 0.00002; gnomAD 0.00003 and 0.00004.
gnomAD v4.1: 64 of 1,613,936 alleles (0.004%); highest among the groups gnomAD compares: Non-Finnish European, 0.0049%; no homozygotes.

Submission:

Genetics and Molecular Pathology, SA Pathology
Classification: Uncertain significance for Epilepsy, familial focal, with variable foci 2. Last evaluated: 2020-05-31. Review status: criteria provided, single submitter. Criteria: ACMG Guidelines, 2015. Collection method: clinical testing. Allele origin: germline. Affected: yes.
Comment: The NPRL2:c.1004G>A variant results in a single nucleotide change from a guanine to an adenine at position 1004 in exon 10 of the NPRL2 gene. This results in the substitution of a glutamine for the wild type arginine residue at position 335. The variant is located in the nitrogen permease regulator 2 domain. It is a weakly conserved amino acid; Metadome considers the protein neutral to variation at this position. In silico pathogenicity predictions are conflicting. There are 3 heterozygotes out of 251364 alleles in gnomAD (PM2).

NM_006545.5(NPRL2):c.1004G>A (p.Arg335Gln)

Gene: NPRL2 (NPR2 like, GATOR1 complex subunit; minus strand). Cytogenetic location: 3p21.31.
Variant type: single nucleotide variant.
Coding change: c.1004G>A on transcript NM_006545.5 (MANE Select); coding-DNA position 1004, G replaced by A.
Protein change: p.Arg335Gln; replaces arginine 335 with glutamine.
Molecular consequence: missense variant.
Genome position (GRCh38, 1-based): chr3:50,347,830, C>T on the plus strand (G>A on the coding strand, the complement: NPRL2 is on the minus strand). VCF-style: chr3-50347830-C-T. GRCh37 (hg19) VCF-style: chr3-50385261-C-T.
Other names: short protein forms R335Q.
Identifiers: ClinVar variation 1698765 (VCV001698765.2), dbSNP rs758322982, ClinGen allele CA2417406.
Genomic context (GRCh38, chr3:50,347,830, plus strand): 5'-CAGATCTCGTCATAGCTGTGGCAGCCTGTATAAAGCCGGGCAGGGTGGCTCTGCTCTTCC[C>T]GAGTCACCCGCACAGGATACTTCTGTAGTCGCCTGATGAGGTTCTTCATAAGCCCGAACT-3'
Protein context (NP_006536.3, residues 325-345): RLQKYPVRVT[Arg335Gln]EEQSHPARLY